The following is an entry in ClinVar:

ClinVar aggregate classification (germline): Uncertain significance (1 of 4 stars; one submission).

Submission:

Labcorp Genetics (formerly Invitae), Labcorp
Classification: Uncertain significance. Last evaluated: 2022-08-31. Review status: criteria provided, single submitter. Criteria: Invitae Variant Classification Sherloc (09022015). Collection method: clinical testing. Allele origin: germline.
Comment: In summary, the available evidence is currently insufficient to determine the role of this variant in disease. Therefore, it has been classified as a Variant of Uncertain Significance. This variant has not been reported in the literature in individuals affected with COL9A2-related conditions. This variant is present in population databases (rs767763762, gnomAD 0.006%). This variant, c.222_230dup, results in the insertion of 3 amino acid(s) of the COL9A2 protein (p.Pro76_Gly78dup), but otherwise preserves the integrity of the reading frame.

NM_001852.4(COL9A2):c.213TGGGCCAGA[3] (p.Gly78_Lys79insProAspGly)

Gene: COL9A2 (collagen type IX alpha 2 chain; minus strand). Cytogenetic location: 1p34.2.
Variant type: Microsatellite.
Coding change: c.213TGGGCCAGA[3] on transcript NM_001852.4 (MANE Select); three copies in a row of the 9-base unit TGGGCCAGA starting at c.213; the reference has two copies in a row; one copy, 9 bases duplicated.
Protein change: p.Gly78_Lys79insProAspGly.
Molecular consequence: inframe insertion.
Genome position (GRCh38, 1-based): chr1:40,314,224-40,314,232, TCTGGCCCA duplicated on the plus strand (TGGGCCAGA on the coding strand, the reverse complement: COL9A2 is on the minus strand); duplicating any 9 consecutive bases within chr1:40,314,224-40,314,241 gives the same sequence; the position shown is the placement nearest the transcript's 3' end. VCF-style (leftmost placement, unchanged base first): chr1-40314223-G-GTCTGGCCCA. GRCh37 (hg19) VCF-style: chr1-40779895-G-GTCTGGCCCA.
Identifiers: ClinVar variation 2028207 (VCV002028207.4), dbSNP rs767763762, ClinGen allele CA792065.
Genomic context (GRCh38, chr1:40,314,223, plus strand): 5'-GGCAGAGCCCTACCCTGCCCCACCCGACACTCAGCTACTCACATCAATCCCGGGCTTCCC[G>GTCTGGCCCA]TCTGGCCCATCTGGCCCAGCTTTGCCAGGCTCGCCCTTGGGTCCCTTGAAAACAGAGATG-3'